The following is an entry in ClinVar:

NM_001009944.3(PKD1):c.12418_12429del (p.Trp4140_Leu4143del)

Gene: PKD1 (polycystin 1, transient receptor potential channel interacting; minus strand). Cytogenetic location: 16p13.3.
Variant type: Deletion.
Coding change: c.12418_12429del on transcript NM_001009944.3 (MANE Select); coding-DNA positions 12418 to 12429, 12 bases deleted (TGGATGGGCCTC).
Protein change: p.Trp4140_Leu4143del.
Molecular consequence: inframe deletion. On other transcripts: inframe indel (1).
Genome position (GRCh38, 1-based): chr16:2,090,300-2,090,311, GAGGCCCATCCA deleted on the plus strand (TGGATGGGCCTC on the coding strand, the reverse complement: PKD1 is on the minus strand); deleting any 12 consecutive bases within chr16:2,090,300-2,090,316 gives the same sequence; the c. name uses the placement nearest the transcript's 3' end. VCF-style (leftmost placement, unchanged base first): chr16-2090299-TGAGGCCCATCCA-T. GRCh37 (hg19) VCF-style: chr16-2140300-TGAGGCCCATCCA-T.
Other names: c.12415_12426del, p.Trp4139_Leu4142del (NM_000296.4); c.12418_12429del12 (NM_001009944.2).
Identifiers: ClinVar variation 2637229 (VCV002637229.8), dbSNP rs2544584336, ClinGen allele CA2695197394.
Genomic context (GRCh38, chr16:2,090,299, plus strand): 5'-CAGAGCCCAGGGCGTGTCCCTCTCCCCCCCACTGGGCCGTACCCACCTCCTTGACCTTGC[TGAGGCCCATCCA>T]GAGGCGCAGCCTGCGCAGGAACAACTCCACCATCTCGTAGTCCTGGGGCTCCCAGGCCGG-3'

ClinVar aggregate classification (germline): Conflicting classifications of pathogenicity. Review status: criteria provided, conflicting classifications (1 of 4 stars). 2 submissions from 2 submitters: Likely pathogenic (1); Uncertain significance (1). Last evaluated 2025-10-01.

Conditions:
PKD1-related disorder. Also called: PKD1-related condition.

Submissions (2):

CeGaT Center for Human Genetics Tuebingen
Classification: Uncertain significance. Last evaluated: 2025-10-01. Review status: criteria provided, single submitter. Criteria: CeGaT Center For Human Genetics Tuebingen Variant Classification Criteria Version 2. Collection method: clinical testing. Allele origin: germline. Affected: yes. Observed: 1 variant allele.
Comment: PKD1: PM2, PM4, PP4

PreventionGenetics, part of Exact Sciences
Classification: Likely pathogenic for PKD1-related condition. Last evaluated: 2025-05-29. Review status: criteria provided, single submitter. Criteria: ACMG Guidelines, 2015. Collection method: clinical testing. Allele origin: germline.
Comment: The PKD1 c.12418_12429del12 variant is predicted to result in an in-frame deletion (p.Trp4140_Leu4143del). To our knowledge, this variant has not been reported in the literature or in a large population database (gnomAD), indicating this variant is rare. Within this deletion interval, different substitutions at codon 4142, which are also rare in gnomAD, have been reported in individuals with autosomal dominant polycystic kidney disease (ADPKD), indicating that this residue is essential for the protein function (p.Gly4142Cys in Supplementary Table 1 and 2, Yu et al. 2022. PubMed ID: 35778421; p.Gly4142Asp in Table S1, Kimura et al. 2023. PubMed ID: 37509056; p.Gly4142Val in Supplementary Data, Lindemann et al. 2023. PubMed ID: 36938073). Loss-of-function is the established disease-causing mechanism of PKD1 for ADPKD, suggesting that deletions encompassing codon 4142 are expected to be pathogenic. Moreover, small in-frame deletions were commonly reported to be pathogenic for autosomal dominant polycystic kidney disease (ADPKD). Taken together, the c.12418_12429del (p.Trp4140_Leu4143del) variant is interpreted as likely pathogenic.